The following is an entry in ClinVar:

ClinVar aggregate classification (germline): Uncertain significance (1 of 4 stars; one submission).

Conditions:
CCBE1-related disorder. Also called: CCBE1-related condition.

gnomAD v4.1: 1 of 1,595,054 alleles (0.000063%); highest among the groups gnomAD compares: Non-Finnish European, 0.000086%; no homozygotes.

Submission:

PreventionGenetics, part of Exact Sciences
Classification: Uncertain significance for CCBE1-related condition. Last evaluated: 2023-04-20. Review status: criteria provided, single submitter. Criteria: ACMG Guidelines, 2015. Collection method: clinical testing. Allele origin: germline.
Comment: The CCBE1 c.253T>C variant is predicted to result in the amino acid substitution p.Cys85Arg. To our knowledge, this variant has not been reported in the literature or in a large population database, indicating this variant is rare. At this time, the clinical significance of this variant is uncertain due to the absence of conclusive functional and genetic evidence.

NM_133459.4(CCBE1):c.253T>C (p.Cys85Arg)

Gene: CCBE1 (collagen and calcium binding EGF domains 1; minus strand). Cytogenetic location: 18q21.32.
Variant type: single nucleotide variant.
Coding change: c.253T>C on transcript NM_133459.4 (MANE Select); coding-DNA position 253, T replaced by C.
Protein change: p.Cys85Arg; replaces cysteine 85 with arginine.
Molecular consequence: missense variant.
Genome position (GRCh38, 1-based): chr18:59,480,198, A>G on the plus strand (T>C on the coding strand, the complement: CCBE1 is on the minus strand). VCF-style: chr18-59480198-A-G. GRCh37 (hg19) VCF-style: chr18-57147430-A-G.
Other names: short protein forms C85R.
Identifiers: ClinVar variation 2632934 (VCV002632934.1), dbSNP rs2511593262, ClinGen allele CA402593471.
Genomic context (GRCh38, chr18:59,480,198, plus strand): 5'-TGATTAGTTGTGAATAAAGTCAGACAATATCTTTTTTATATTACATACCTTCTGGGATGC[A>G]TTGTCCAAGAACAAATTTATATCCTTTGCAGCACTTTTTCCTAAGAGACAAACAAACATT-3'
Protein context (NP_597716.1, residues 75-95): CKGYKFVLGQ[Cys85Arg]IPEDYDVCAE